The following is an entry in ClinVar:

ClinVar aggregate classification (germline): Uncertain significance (1 of 4 stars; one submission).

Submission:

Labcorp Genetics (formerly Invitae), Labcorp
Classification: Uncertain significance. Last evaluated: 2022-08-09. Review status: criteria provided, single submitter. Criteria: Invitae Variant Classification Sherloc (09022015). Collection method: clinical testing. Allele origin: germline.
Comment: In summary, the available evidence is currently insufficient to determine the role of this variant in disease. Therefore, it has been classified as a Variant of Uncertain Significance. Advanced modeling of protein sequence and biophysical properties (such as structural, functional, and spatial information, amino acid conservation, physicochemical variation, residue mobility, and thermodynamic stability) performed at Invitae indicates that this missense variant is expected to disrupt TPP1 protein function. This variant has not been reported in the literature in individuals affected with TPP1-related conditions. This variant is not present in population databases (gnomAD no frequency). This sequence change replaces glycine, which is neutral and non-polar, with arginine, which is basic and polar, at codon 514 of the TPP1 protein (p.Gly514Arg).

NM_000391.4(TPP1):c.1540G>C (p.Gly514Arg)

Gene: TPP1 (tripeptidyl peptidase 1; minus strand). Cytogenetic location: 11p15.4.
Variant type: single nucleotide variant.
Coding change: c.1540G>C on transcript NM_000391.4 (MANE Select); coding-DNA position 1540, G replaced by C.
Protein change: p.Gly514Arg; replaces glycine 514 with arginine.
Molecular consequence: missense variant.
Genome position (GRCh38, 1-based): chr11:6,614,877, C>G on the plus strand (G>C on the coding strand, the complement: TPP1 is on the minus strand). VCF-style: chr11-6614877-C-G. GRCh37 (hg19) VCF-style: chr11-6636108-C-G.
Other names: short protein forms G514R.
Identifiers: ClinVar variation 1959492 (VCV001959492.5), dbSNP rs2134590841, ClinGen allele CA379472264.